The following is an entry in ClinVar:

ClinVar aggregate classification (germline): Uncertain significance (1 of 4 stars; one submission).

Submission:

GeneDx
Classification: Uncertain significance. Last evaluated: 2019-11-12. Review status: criteria provided, single submitter. Criteria: GeneDx Variant Classification Process June 2021. Collection method: clinical testing. Allele origin: germline. Affected: yes.
Comment: Not observed in large population cohorts (Lek et al., 2016); Missense variant in a gene in which most reported pathogenic variants are truncating/loss-of-function; Has not been previously published as pathogenic or benign to our knowledge

NM_001267550.2(TTN):c.45655G>T (p.Val15219Leu)

Gene: TTN (titin; minus strand). Cytogenetic location: 2q31.2.
Variant type: single nucleotide variant.
Coding change: c.45655G>T on transcript NM_001267550.2 (MANE Select); coding-DNA position 45655, G replaced by T.
Protein change: p.Val15219Leu; replaces valine 15219 with leucine.
Molecular consequence: missense variant.
Genome position (GRCh38, 1-based): chr2:178,620,955, C>A on the plus strand (G>T on the coding strand, the complement: TTN is on the minus strand). VCF-style: chr2-178620955-C-A. GRCh37 (hg19) VCF-style: chr2-179485682-C-A.
Other names: c.40732G>T, p.Val13578Leu (NM_001256850.1); c.18460G>T, p.Val6154Leu (NM_003319.4); c.37951G>T, p.Val12651Leu (NM_133378.4); c.18835G>T, p.Val6279Leu (NM_133432.3); c.19036G>T, p.Val6346Leu (NM_133437.4); short protein forms V12651L, V13578L, V15219L, V6154L, V6279L, V6346L.
Identifiers: ClinVar variation 1310245 (VCV001310245.2), dbSNP rs765315826, ClinGen allele CA349632878.
Genomic context (GRCh38, chr2:178,620,955, plus strand): 5'-TGGCTTTGGCACCTTCAGTATTGACTTCACAGTTGAAGACAACTTCCTGTTGTTCCTTCA[C>A]CCGGGTGTCCTTAAGAGGAACTACGATCCTGAGTTTTTCTGAAAGCAACCGACAAGACTT-3'
Protein context (NP_001254479.2, residues 15209-15229): RIVVPLKDTR[Val15219Leu]KEQQEVVFNC